The following is an entry in ClinVar:

NM_005033.3(EXOSC9):c.827+1G>A

Gene: EXOSC9 (exosome component 9; plus strand). Cytogenetic location: 4q27.
Variant type: single nucleotide variant.
Coding change: c.827+1G>A on transcript NM_005033.3 (MANE Select); the canonical splice donor site of the intron after coding-DNA position 827, G replaced by A.
Molecular consequence: splice donor variant.
Genome position (GRCh38, 1-based): chr4:121,811,672, G>A. VCF-style: chr4-121811672-G-A. GRCh37 (hg19) VCF-style: chr4-122732827-G-A.
Other names: c.827+1G>A (NM_001034194.2).
Identifiers: ClinVar variation 3385106 (VCV003385106.1).

ClinVar aggregate classification (germline): Likely pathogenic (1 of 4 stars; one submission).

Conditions:
Pontocerebellar hypoplasia, type 1D. Identifiers: MedGen C4748058, MONDO:0054844, OMIM 618065.

gnomAD v4.1: 4 of 1,494,594 alleles (0.00027%); highest among the groups gnomAD compares: Non-Finnish European, 0.00036%; no homozygotes.

Submission:

Women's Health and Genetics/Laboratory Corporation of America, LabCorp
Classification: Likely pathogenic for Pontocerebellar hypoplasia, type 1D. Last evaluated: 2024-10-24. Review status: criteria provided, single submitter. Criteria: LabCorp Variant Classification Summary - May 2015. Collection method: clinical testing. Allele origin: germline.
Comment: Variant summary: EXOSC9 c.827+1G>A is located in a canonical splice-site and is predicted to affect mRNA splicing resulting in a significantly altered protein due to either exon skipping, shortening, or inclusion of intronic material. Variants that disrupt the consensus splice site are a relatively common cause of aberrant splicing and loss of EXOSC9 function. Several computational tools predict a significant impact on normal splicing: Four predict the variant abolishes a 5' splicing donor site. However, these predictions have yet to be confirmed by functional studies. The variant allele was found at a frequency of 4.6e-06 in 215088 control chromosomes (gnomAD). To our knowledge, no occurrence of c.827+1G>A in individuals affected with Pontocerebellar Hypoplasia, Type 1D and no experimental evidence demonstrating its impact on protein function have been reported. No submitters have cited clinical-significance assessments for this variant to ClinVar. Based on the evidence outlined above, the variant was classified as likely pathogenic.